The following is an entry in ClinVar:

NM_012330.4(KAT6B):c.4046A>G (p.Lys1349Arg)

Gene: KAT6B (lysine acetyltransferase 6B; plus strand). Cytogenetic location: 10q22.2.
Variant type: single nucleotide variant.
Coding change: c.4046A>G on transcript NM_012330.4 (MANE Select); coding-DNA position 4046, A replaced by G.
Protein change: p.Lys1349Arg; replaces lysine 1349 with arginine.
Molecular consequence: missense variant.
Genome position (GRCh38, 1-based): chr10:75,028,870, A>G. VCF-style: chr10-75028870-A-G. GRCh37 (hg19) VCF-style: chr10-76788628-A-G.
Other names: c.3497A>G, p.Lys1166Arg (NM_001256468.2, NM_001370138.1); c.3170A>G, p.Lys1057Arg (NM_001256469.2, NM_001370139.1, NM_001370140.1 and 2 more transcripts); c.3008A>G, p.Lys1003Arg (NM_001370132.1); c.2357A>G, p.Lys786Arg (NM_001370133.1); c.1961A>G, p.Lys654Arg (NM_001370134.1); c.1703A>G, p.Lys568Arg (NM_001370135.1); c.4046A>G, p.Lys1349Arg (NM_001370136.1, NM_001370137.1); c.2981A>G, p.Lys994Arg (NM_001370143.1, NM_001370144.1); short protein forms K1166R, K654R, K1349R, K786R, K1003R, K1057R, K568R, K994R.
Identifiers: ClinVar variation 859762 (VCV000859762.11), dbSNP rs377300582, ClinGen allele CA5564946.

ClinVar aggregate classification (germline): Uncertain significance. Review status: criteria provided, multiple submitters, no conflicts (2 of 4 stars). 2 submissions from 2 submitters: Uncertain significance (2). Last evaluated 2025-10-21.

Conditions:
Genitopatellar syndrome (GTPTS). Also called: Genitopatellar syndrome (GPS); ABSENT PATELLAE, SCROTAL HYPOPLASIA, RENAL ANOMALIES, FACIAL DYSMORPHISM, AND MENTAL RETARDATION. Identifiers: Orphanet 85201, MedGen C1853566, MONDO:0011640, OMIM 606170.
Blepharophimosis - intellectual disability syndrome, SBBYS type (SBBYSS). Also called: Say-Barber-Biesecker variant of Ohdo syndrome (SBBYSS); Say-Barber-Biesecker-Young-Simpson syndrome; Ohdo syndrome, SBBYS variant; SBBYSS syndrome; Say-Barber-Biesecker-Young-Simpson variant of Ohdo Syndrome; Say-Barber-Biesecker Variant of Ohdo Syndrome. Identifiers: Orphanet 3047, MedGen C1863557, MONDO:0011365, OMIM 603736.

Allele frequency attached by ClinVar (database versions not stated): gnomAD exomes below 0.00001 and 0.00001; TOPMed below 0.00001; ExAC 0.00001; gnomAD 0.00001; ESP Exome Variant Server 0.00008.
gnomAD v4.1: 10 of 1,613,862 alleles (0.00062%); highest among the groups gnomAD compares: Non-Finnish European, 0.00076%; no homozygotes.

Submissions (2):

Labcorp Genetics (formerly Invitae), Labcorp
Classification: Uncertain significance for Genitopatellar syndrome. Last evaluated: 2025-10-21. Review status: criteria provided, single submitter. Criteria: Invitae Variant Classification Sherloc (09022015). Collection method: clinical testing. Allele origin: germline.
Comment: This sequence change replaces lysine, which is basic and polar, with arginine, which is basic and polar, at codon 1349 of the KAT6B protein (p.Lys1349Arg). This variant is present in population databases (rs377300582, gnomAD 0.002%). This variant has not been reported in the literature in individuals affected with KAT6B-related conditions. ClinVar contains an entry for this variant (Variation ID: 859762). Invitae Evidence Modeling of protein sequence and biophysical properties (such as structural, functional, and spatial information, amino acid conservation, physicochemical variation, residue mobility, and thermodynamic stability) indicates that this missense variant is not expected to disrupt KAT6B protein function with a negative predictive value of 80%. In summary, the available evidence is currently insufficient to determine the role of this variant in disease. Therefore, it has been classified as a Variant of Uncertain Significance.

Fulgent Genetics
Classification: Uncertain significance for Blepharophimosis - intellectual disability syndrome, SBBYS type; Genitopatellar syndrome. Last evaluated: 2021-10-12. Review status: criteria provided, single submitter. Criteria: ACMG Guidelines, 2015. Collection method: clinical testing. Allele origin: unknown.